The following is an entry in ClinVar:

NM_019040.5(ELP4):c.82A>G (p.Ser28Gly)

Gene: ELP4 (elongator acetyltransferase complex subunit 4; plus strand). Cytogenetic location: 11p13.
Variant type: single nucleotide variant.
Coding change: c.82A>G on transcript NM_019040.5 (MANE Select); coding-DNA position 82, A replaced by G.
Protein change: p.Ser28Gly; replaces serine 28 with glycine.
Molecular consequence: missense variant.
Genome position (GRCh38, 1-based): chr11:31,509,866, A>G. VCF-style: chr11-31509866-A-G. GRCh37 (hg19) VCF-style: chr11-31531413-A-G.
Other names: c.82A>G, p.Ser28Gly (NM_001288725.2, NM_001288726.2); short protein forms S28G.
Identifiers: ClinVar variation 2797726 (VCV002797726.3), dbSNP rs1451195916, ClinGen allele CA380098341.
Genomic context (GRCh38, chr11:31,509,866, plus strand): 5'-GGTAGTGTTGCCGCGAGTACTGGGTCTGCAGTGGCGACAGCCAGCAAGAGCAACGTCACC[A>G]GTTTCCAGAGGAGGGGTCCTAGAGCCAGCGTGACCAACGACAGCGGCCCTCGACTGGTGT-3'
Protein context (NP_061913.3, residues 18-38): VATASKSNVT[Ser28Gly]FQRRGPRASV

ClinVar aggregate classification (germline): Uncertain significance (1 of 4 stars; one submission).

Allele frequency attached by ClinVar (database versions not stated): TOPMed below 0.00001; gnomAD 0.00001; gnomAD exomes 0.00005.
gnomAD v4.1: 66 of 1,614,022 alleles (0.0041%); highest among the groups gnomAD compares: Non-Finnish European, 0.0055%; no homozygotes.

Submission:

Labcorp Genetics (formerly Invitae), Labcorp
Classification: Uncertain significance. Last evaluated: 2023-02-09. Review status: criteria provided, single submitter. Criteria: Invitae Variant Classification Sherloc (09022015). Collection method: clinical testing. Allele origin: germline.
Comment: This sequence change replaces serine, which is neutral and polar, with glycine, which is neutral and non-polar, at codon 28 of the ELP4 protein (p.Ser28Gly). This variant is present in population databases (no rsID available, gnomAD 0.002%). This variant has not been reported in the literature in individuals affected with ELP4-related conditions. Algorithms developed to predict the effect of missense changes on protein structure and function (SIFT, PolyPhen-2, Align-GVGD) all suggest that this variant is likely to be tolerated. In summary, the available evidence is currently insufficient to determine the role of this variant in disease. Therefore, it has been classified as a Variant of Uncertain Significance.